The following is an entry in ClinVar:

ClinVar aggregate classification (germline): Uncertain significance (1 of 4 stars; one submission).

Conditions:
Combined immunodeficiency due to CTPS1 deficiency. Also called: Severe combined immunodeficiency due to CTPS1 deficiency; Immunodeficiency 24. Identifiers: Orphanet 420573, MedGen C4014617, MONDO:0014391, OMIM 615897.

Allele frequency attached by ClinVar (database versions not stated): gnomAD exomes below 0.00001; ExAC 0.00001.
gnomAD v4.1: 4 of 1,613,960 alleles (0.00025%); highest among the groups gnomAD compares: Middle Eastern, 0.016%; no homozygotes.

Submission:

Labcorp Genetics (formerly Invitae), Labcorp
Classification: Uncertain significance for Combined immunodeficiency due to CTPS1 deficiency. Last evaluated: 2021-08-20. Review status: criteria provided, single submitter. Criteria: Invitae Variant Classification Sherloc (09022015). Collection method: clinical testing. Allele origin: germline.
Comment: This sequence change replaces valine with isoleucine at codon 434 of the CTPS1 protein (p.Val434Ile). The valine residue is weakly conserved and there is a small physicochemical difference between valine and isoleucine. This variant is present in population databases (rs375485430, ExAC 0.01%). This variant has not been reported in the literature in individuals affected with CTPS1-related conditions. Algorithms developed to predict the effect of missense changes on protein structure and function output the following: SIFT: "Tolerated"; PolyPhen-2: "Benign"; Align-GVGD: "Class C0". The isoleucine amino acid residue is found in multiple mammalian species, which suggests that this missense change does not adversely affect protein function. In summary, the available evidence is currently insufficient to determine the role of this variant in disease. Therefore, it has been classified as a Variant of Uncertain Significance.

NM_001905.4(CTPS1):c.1300G>A (p.Val434Ile)

Genes: CTPS1 (CTP synthase 1; plus strand), LOC126805717 (MED14-independent group 3 enhancer GRCh37_chr1:41472557-41473756; plus strand). Cytogenetic location: 1p34.2.
Variant type: single nucleotide variant.
Coding change: c.1300G>A on transcript NM_001905.4 (MANE Select); coding-DNA position 1300, G replaced by A.
Protein change: p.Val434Ile; replaces valine 434 with isoleucine.
Molecular consequence: missense variant. On other transcripts: non-coding transcript variant (1).
Genome position (GRCh38, 1-based): chr1:41,007,452, G>A. VCF-style: chr1-41007452-G-A. GRCh37 (hg19) VCF-style: chr1-41473124-G-A.
Other names: c.832G>A, p.Val278Ile (NM_001301237.2); short protein forms V278I, V434I.
Identifiers: ClinVar variation 849322 (VCV000849322.7), dbSNP rs375485430, ClinGen allele CA795509.